The following is an entry in ClinVar:

NM_000143.4(FH):c.292_308del (p.Ile98fs)

Gene: FH (fumarate hydratase; minus strand). Cytogenetic location: 1q43.
Variant type: Deletion.
Coding change: c.292_308del on transcript NM_000143.4 (MANE Select); coding-DNA positions 292 to 308, 17 bases deleted (ATCTTGAAGCGAGCGGC).
Protein change: p.Ile98fs; shifts the reading frame from isoleucine 98.
Molecular consequence: frameshift variant.
Genome position (GRCh38, 1-based): chr1:241,513,673-241,513,689, GCCGCTCGCTTCAAGAT deleted on the plus strand (ATCTTGAAGCGAGCGGC on the coding strand, the reverse complement: FH is on the minus strand); deleting any 17 consecutive bases within chr1:241,513,673-241,513,692 gives the same sequence; the c. name uses the placement nearest the transcript's 3' end. VCF-style (leftmost placement, unchanged base first): chr1-241513672-GGCCGCTCGCTTCAAGAT-G. GRCh37 (hg19) VCF-style: chr1-241676972-GGCCGCTCGCTTCAAGAT-G.
Other names: short protein forms I98fs.
Identifiers: ClinVar variation 2578605 (VCV002578605.25), dbSNP rs2527335251, ClinGen allele CA2580617949.

ClinVar aggregate classification (germline): Pathogenic (1 of 4 stars; one submission).

Submission:

CeGaT Center for Human Genetics Tuebingen
Classification: Pathogenic. Last evaluated: 2023-09-01. Review status: criteria provided, single submitter. Criteria: CeGaT Center For Human Genetics Tuebingen Variant Classification Criteria Version 2. Collection method: clinical testing. Allele origin: germline. Affected: yes. Observed: 2 variant alleles.
Comment: FH: PVS1, PM2